The following is an entry in ClinVar:

NM_006096.4(NDRG1):c.538-132G>C

Gene: NDRG1 (N-myc downstream regulated 1; minus strand). Cytogenetic location: 8q24.22.
Variant type: single nucleotide variant.
Coding change: c.538-132G>C on transcript NM_006096.4 (MANE Select); 132 bases into the intron before coding-DNA position 538, G replaced by C.
Molecular consequence: intron variant.
Genome position (GRCh38, 1-based): chr8:133,254,727, C>G on the plus strand (G>C on the coding strand, the complement: NDRG1 is on the minus strand). VCF-style: chr8-133254727-C-G. GRCh37 (hg19) VCF-style: chr8-134266970-C-G.
Other names: c.340-132G>C (NM_001258432.2, NM_001374847.1); c.295-132G>C (NM_001258433.2); c.589-132G>C (NM_001374844.1); c.538-132G>C (NM_001135242.2, NM_001374845.1, NM_001374846.1).
Identifiers: ClinVar variation 667643 (VCV000667643.5), dbSNP rs2272650, ClinGen allele CA15539044.

ClinVar aggregate classification (germline): Benign. Review status: criteria provided, multiple submitters, no conflicts (2 of 4 stars). 3 submissions from 3 submitters: Benign (3). Last evaluated 2021-07-10.

Conditions:
Charcot-Marie-Tooth disease type 4D. Also called: Charcot-Marie-Tooth Neuropathy Type 4D; CHARCOT-MARIE-TOOTH DISEASE, DEMYELINATING, AUTOSOMAL RECESSIVE, TYPE 4D; CHARCOT-MARIE-TOOTH DISEASE, DEMYELINATING, TYPE 4D; NEUROPATHY, HEREDITARY MOTOR AND SENSORY, LOM TYPE. Identifiers: Orphanet 99950, MedGen C1832334, MONDO:0011085, OMIM 601455.

Allele frequency attached by ClinVar (database versions not stated): 1000 Genomes Project 0.39816; 1000 Genomes Project 30x 0.40303; gnomAD 0.41873; TOPMed 0.44997.
gnomAD v4.1: 360,764 of 845,584 alleles (43%); highest among the groups gnomAD compares: Middle Eastern, 50%; 79,638 homozygotes.

Submissions (3):

Genome-Nilou Lab
Classification: Benign for Charcot-Marie-Tooth disease type 4D. Last evaluated: 2021-07-10. Review status: criteria provided, single submitter. Criteria: ACMG Guidelines, 2015. Collection method: clinical testing. Allele origin: germline. Affected: no.

GeneDx
Classification: Benign. Last evaluated: 2018-06-19. Review status: criteria provided, single submitter. Criteria: GeneDx Variant Classification (06012015). Collection method: clinical testing. Allele origin: germline. Affected: yes.
Comment: This variant is considered likely benign or benign based on one or more of the following criteria: it is a conservative change, it occurs at a poorly conserved position in the protein, it is predicted to be benign by multiple in silico algorithms, and/or has population frequency not consistent with disease.

Breakthrough Genomics
Classification: Benign. Review status: criteria provided, single submitter. Criteria: ACMG Guidelines, 2015. Collection method: not provided. Allele origin: germline. Inheritance: Autosomal recessive inheritance. Affected: yes.